The following is an entry in ClinVar:

ClinVar aggregate classification (germline): Benign/Likely benign. Review status: criteria provided, multiple submitters, no conflicts (2 of 4 stars). 3 submissions from 3 submitters: Benign (2); Likely benign (1). Last evaluated 2026-01-26.

Allele frequency attached by ClinVar (database versions not stated): ExAC below 0.00001; gnomAD exomes 0.00045 and 0.00076; gnomAD 0.00607 and 0.00649; TOPMed 0.00696; 1000 Genomes Project 0.00759; 1000 Genomes Project 30x 0.00765.
gnomAD v4.1: 1,489 of 1,352,322 alleles (0.11%); highest among the groups gnomAD compares: African/African-American, 2.1%; 15 homozygotes.

Submissions (3):

Labcorp Genetics (formerly Invitae), Labcorp
Classification: Benign. Last evaluated: 2026-01-26. Review status: criteria provided, single submitter. Criteria: Invitae Variant Classification Sherloc (09022015). Collection method: clinical testing. Allele origin: germline.

Blueprint Genetics
Classification: Likely benign. Last evaluated: 2024-10-16. Review status: criteria provided, single submitter. Criteria: ACMG Guidelines, 2015. Collection method: clinical testing. Allele origin: germline.

GeneDx
Classification: Benign. Last evaluated: 2014-04-23. Review status: criteria provided, single submitter. Criteria: GeneDx Variant Classification (06012015). Collection method: clinical testing. Allele origin: germline. Affected: yes.
Comment: This variant is considered likely benign or benign based on one or more of the following criteria: it is a conservative change, it occurs at a poorly conserved position in the protein, it is predicted to be benign by multiple in silico algorithms, and/or has population frequency not consistent with disease.

NM_133259.4(LRPPRC):c.149+19T>C

Gene: LRPPRC (leucine rich pentatricopeptide repeat containing; minus strand). Cytogenetic location: 2p21.
Variant type: single nucleotide variant.
Coding change: c.149+19T>C on transcript NM_133259.4 (MANE Select); 19 bases into the intron after coding-DNA position 149, T replaced by C.
Molecular consequence: intron variant.
Genome position (GRCh38, 1-based): chr2:43,995,780, A>G on the plus strand (T>C on the coding strand, the complement: LRPPRC is on the minus strand). VCF-style: chr2-43995780-A-G. GRCh37 (hg19) VCF-style: chr2-44222919-A-G.
Identifiers: ClinVar variation 138151 (VCV000138151.11), dbSNP rs531535255, ClinGen allele CA291985.